The following is an entry in ClinVar:

ClinVar aggregate classification (germline): Likely benign (0 of 4 stars; one submission).

Conditions:
CDH4-related disorder. Also called: CDH4-related condition.

Allele frequency attached by ClinVar (database versions not stated): ExAC 0.00002; TOPMed 0.00002; gnomAD 0.00003; gnomAD exomes 0.00003; 1000 Genomes Project 30x 0.00016; 1000 Genomes Project 0.00020.
gnomAD v4.1: 41 of 1,613,770 alleles (0.0025%); highest among the groups gnomAD compares: Admixed American, 0.0067%; no homozygotes.

Submission:

PreventionGenetics, part of Exact Sciences
Classification: Likely benign for CDH4-related condition. Last evaluated: 2019-04-16. Review status: no assertion criteria provided. Collection method: clinical testing. Allele origin: germline.
Comment: This variant is classified as likely benign based on ACMG/AMP sequence variant interpretation guidelines (Richards et al. 2015 PMID: 25741868, with internal and published modifications).

NM_001794.5(CDH4):c.1215C>T (p.Arg405=)

Gene: CDH4 (cadherin 4; plus strand). Cytogenetic location: 20q13.33.
Variant type: single nucleotide variant.
Coding change: c.1215C>T on transcript NM_001794.5 (MANE Select); coding-DNA position 1215, C replaced by T.
Protein change: p.Arg405=; no amino-acid change (arginine 405 retained).
Molecular consequence: synonymous variant.
Genome position (GRCh38, 1-based): chr20:61,910,448, C>T. VCF-style: chr20-61910448-C-T. GRCh37 (hg19) VCF-style: chr20-60485504-C-T.
Other names: c.1104C>T, p.Arg368= (NM_001252338.2); c.993C>T, p.Arg331= (NM_001252339.3).
Identifiers: ClinVar variation 3047341 (VCV003047341.2), dbSNP rs568480999, ClinGen allele CA9934660.